The following is an entry in ClinVar:

NM_006231.4(POLE):c.4403T>G (p.Leu1468Arg)

Gene: POLE (DNA polymerase epsilon, catalytic subunit; minus strand). Cytogenetic location: 12q24.33.
Variant type: single nucleotide variant.
Coding change: c.4403T>G on transcript NM_006231.4 (MANE Select); coding-DNA position 4403, T replaced by G.
Protein change: p.Leu1468Arg; replaces leucine 1468 with arginine.
Molecular consequence: missense variant.
Genome position (GRCh38, 1-based): chr12:132,643,448, A>C on the plus strand (T>G on the coding strand, the complement: POLE is on the minus strand). VCF-style: chr12-132643448-A-C. GRCh37 (hg19) VCF-style: chr12-133220034-A-C.
Other names: c.4403T>G (NM_006231.2); short protein forms L1468R.
Identifiers: ClinVar variation 473662 (VCV000473662.9), dbSNP rs1555222979, ClinGen allele CA387381086.
Genomic context (GRCh38, chr12:132,643,448, plus strand): 5'-CGGCTGGTGCAGGCCATACCTGGTTCCAGGTAGCTGAACTGGGCCAGAGAGCGCATCTCC[A>C]GGTGCTCAAGAGCAAAGGTCTCTGCTTCCCAGCCTGAAAGGTGCCTCACCAGCTGTTTAT-3'
Protein context (NP_006222.2, residues 1458-1478): WEAETFALEH[Leu1468Arg]EMRSLAQFSY

ClinVar aggregate classification (germline): Uncertain significance. Review status: criteria provided, multiple submitters, no conflicts (2 of 4 stars). 2 submissions from 2 submitters: Uncertain significance (2). Last evaluated 2026-01-30.

Conditions:
Hereditary cancer-predisposing syndrome. Also called: Neoplastic Syndromes, Hereditary; Tumor predisposition; Hereditary neoplastic syndrome; Hereditary Cancer Syndrome. Identifiers: Orphanet 140162, MedGen C0027672, MeSH D009386, MONDO:0015356.

Submissions (2):

Ambry Genetics
Classification: Uncertain significance for Hereditary cancer-predisposing syndrome. Last evaluated: 2026-01-30. Review status: criteria provided, single submitter. Criteria: Ambry Variant Classification Scheme 2023. Collection method: clinical testing. Allele origin: germline.
Comment: The p.L1468R variant (also known as c.4403T>G), located in coding exon 34 of the POLE gene, results from a T to G substitution at nucleotide position 4403. The leucine at codon 1468 is replaced by arginine, an amino acid with dissimilar properties. This amino acid position is highly conserved in available vertebrate species. In addition, the in silico prediction for this alteration is inconclusive. Based on the available evidence, the clinical significance of this variant remains unclear.

Labcorp Genetics (formerly Invitae), Labcorp
Classification: Uncertain significance. Last evaluated: 2022-03-21. Review status: criteria provided, single submitter. Criteria: Invitae Variant Classification Sherloc (09022015). Collection method: clinical testing. Allele origin: germline.
Comment: Algorithms developed to predict the effect of missense changes on protein structure and function (SIFT, PolyPhen-2, Align-GVGD) all suggest that this variant is likely to be disruptive. ClinVar contains an entry for this variant (Variation ID: 473662). This variant has not been reported in the literature in individuals affected with POLE-related conditions. This variant is not present in population databases (gnomAD no frequency). This sequence change replaces leucine, which is neutral and non-polar, with arginine, which is basic and polar, at codon 1468 of the POLE protein (p.Leu1468Arg). In summary, the available evidence is currently insufficient to determine the role of this variant in disease. Therefore, it has been classified as a Variant of Uncertain Significance.